The following is an entry in ClinVar:

NM_178822.5(IGSF10):c.4631C>T (p.Ser1544Phe)

Gene: IGSF10 (immunoglobulin superfamily member 10; minus strand). Cytogenetic location: 3q25.1.
Variant type: single nucleotide variant.
Coding change: c.4631C>T on transcript NM_178822.5 (MANE Select); coding-DNA position 4631, C replaced by T.
Protein change: p.Ser1544Phe; replaces serine 1544 with phenylalanine.
Molecular consequence: missense variant.
Genome position (GRCh38, 1-based): chr3:151,445,350, G>A on the plus strand (C>T on the coding strand, the complement: IGSF10 is on the minus strand). VCF-style: chr3-151445350-G-A. GRCh37 (hg19) VCF-style: chr3-151163138-G-A.
Other names: c.4631C>T, p.Ser1544Phe (NM_001385060.1, NM_001385061.1, NM_001385062.1 and 1 more transcripts); short protein forms S1544F.
Identifiers: ClinVar variation 2353088 (VCV002353088.4), dbSNP rs140358152, ClinGen allele CA2669929.

ClinVar aggregate classification (germline): Uncertain significance. Review status: criteria provided, multiple submitters, no conflicts (2 of 4 stars). 2 submissions from 2 submitters: Uncertain significance (2). Last evaluated 2025-09-15.

Allele frequency attached by ClinVar (database versions not stated): ExAC 0.00020; gnomAD 0.00044; ESP Exome Variant Server 0.00031; TOPMed 0.00060.
gnomAD v4.1: 211 of 1,614,104 alleles (0.013%); highest among the groups gnomAD compares: African/African-American, 0.12%; no homozygotes.

Submissions (2):

Labcorp Genetics (formerly Invitae), Labcorp
Classification: Uncertain significance. Last evaluated: 2025-09-15. Review status: criteria provided, single submitter. Criteria: Invitae Variant Classification Sherloc (09022015). Collection method: clinical testing. Allele origin: germline.
Comment: This sequence change replaces serine, which is neutral and polar, with phenylalanine, which is neutral and non-polar, at codon 1544 of the IGSF10 protein (p.Ser1544Phe). This variant is present in population databases (rs140358152, gnomAD 0.08%), and has an allele count higher than expected for a pathogenic variant. This variant has not been reported in the literature in individuals affected with IGSF10-related conditions. ClinVar contains an entry for this variant (Variation ID: 2353088). An algorithm developed to predict the effect of missense changes on protein structure and function (PolyPhen-2) suggests that this variant is likely to be tolerated. In summary, the available evidence is currently insufficient to determine the role of this variant in disease. Therefore, it has been classified as a Variant of Uncertain Significance.

Ambry Genetics
Classification: Uncertain significance. Last evaluated: 2021-06-22. Review status: criteria provided, single submitter. Criteria: Ambry Variant Classification Scheme 2023. Collection method: clinical testing. Allele origin: germline.